The following is an entry in ClinVar:

NM_002485.5(NBN):c.970G>A (p.Asp324Asn)

Gene: NBN (nibrin; minus strand). Cytogenetic location: 8q21.3.
Variant type: single nucleotide variant.
Coding change: c.970G>A on transcript NM_002485.5 (MANE Select); coding-DNA position 970, G replaced by A.
Protein change: p.Asp324Asn; replaces aspartic acid 324 with asparagine.
Molecular consequence: missense variant.
Genome position (GRCh38, 1-based): chr8:89,964,434, C>T on the plus strand (G>A on the coding strand, the complement: NBN is on the minus strand). VCF-style: chr8-89964434-C-T. GRCh37 (hg19) VCF-style: chr8-90976662-C-T.
Other names: c.724G>A, p.Asp242Asn (NM_001024688.3, NM_001440379.1, NM_001440380.1); short protein forms D242N, D324N.
Identifiers: ClinVar variation 5025396 (VCV005025396.1).

ClinVar aggregate classification (germline): Uncertain significance (1 of 4 stars; one submission).

Conditions:
Hereditary cancer-predisposing syndrome. Also called: Neoplastic Syndromes, Hereditary; Tumor predisposition; Hereditary neoplastic syndrome; Hereditary Cancer Syndrome. Identifiers: Orphanet 140162, MedGen C0027672, MeSH D009386, MONDO:0015356.

Submission:

Ambry Genetics
Classification: Uncertain significance for Hereditary cancer-predisposing syndrome. Last evaluated: 2026-07-06. Review status: criteria provided, single submitter. Criteria: Ambry Variant Classification Scheme 2023. Collection method: clinical testing. Allele origin: germline.
Comment: The p.D324N variant (also known as c.970G>A), located in coding exon 8 of the NBN gene, results from a G to A substitution at nucleotide position 970. The aspartic acid at codon 324 is replaced by asparagine, an amino acid with highly similar properties. This amino acid position is conserved. In addition, this alteration is predicted to be tolerated by in silico analysis. Based on the available evidence, the clinical significance of this variant remains unclear.